The following is an entry in ClinVar:

ClinVar aggregate classification (germline): Uncertain significance (1 of 4 stars; one submission).

Conditions:
Long QT syndrome (LQTS). Identifiers: MedGen C0023976, MeSH D008133, MONDO:0002442. Disease mechanism: loss of function. Inheritance: Various modes of inheritance.

Allele frequency attached by ClinVar (database versions not stated): gnomAD exomes below 0.00001; TOPMed 0.00001.
gnomAD v4.1: 1 of 1,614,006 alleles (0.000062%); highest among the groups gnomAD compares: Admixed American, 0.0017%; no homozygotes.

Submission:

Labcorp Genetics (formerly Invitae), Labcorp
Classification: Uncertain significance for Long QT syndrome. Last evaluated: 2024-11-18. Review status: criteria provided, single submitter. Criteria: Invitae Variant Classification Sherloc (09022015). Collection method: clinical testing. Allele origin: germline.
Comment: This sequence change replaces glycine, which is neutral and non-polar, with glutamic acid, which is acidic and polar, at codon 1976 of the CACNA1C protein (p.Gly1976Glu). This variant is not present in population databases (gnomAD no frequency). This variant has not been reported in the literature in individuals affected with CACNA1C-related conditions. ClinVar contains an entry for this variant (Variation ID: 1023166). Invitae Evidence Modeling of protein sequence and biophysical properties (such as structural, functional, and spatial information, amino acid conservation, physicochemical variation, residue mobility, and thermodynamic stability) indicates that this missense variant is not expected to disrupt CACNA1C protein function with a negative predictive value of 95%. In summary, the available evidence is currently insufficient to determine the role of this variant in disease. Therefore, it has been classified as a Variant of Uncertain Significance.

NM_000719.7(CACNA1C):c.5927G>A (p.Gly1976Glu)

Genes: CACNA1C-AS1 (CACNA1C antisense RNA 1; minus strand), CACNA1C (calcium voltage-gated channel subunit alpha1 C; plus strand). Cytogenetic location: 12p13.33.
Variant type: single nucleotide variant.
Coding change: c.5927G>A on transcript NM_000719.7 (MANE Select); coding-DNA position 5927, G replaced by A.
Protein change: p.Gly1976Glu; replaces glycine 1976 with glutamic acid.
Molecular consequence: missense variant.
Genome position (GRCh38, 1-based): chr12:2,688,589, G>A. VCF-style: chr12-2688589-G-A. GRCh37 (hg19) VCF-style: chr12-2797755-G-A.
Other names: c.6071G>A, p.Gly2024Glu (NM_001129827.2); c.6050G>A, p.Gly2017Glu (NM_001129829.2); c.6032G>A, p.Gly2011Glu (NM_001129830.3, NM_001167624.3); c.6011G>A, p.Gly2004Glu (NM_001129831.2); c.5987G>A, p.Gly1996Glu (NM_001129832.2); c.5984G>A, p.Gly1995Glu (NM_001129833.2, NM_001129834.2, NM_001129835.2); c.5978G>A, p.Gly1993Glu (NM_001129836.2); c.5951G>A, p.Gly1984Glu (NM_001129837.2, NM_001129838.2); and 6 more; short protein forms G1965E, G1973E, G1976E, G1982E, G1984E, G1993E, G1995E, G1996E.
Identifiers: ClinVar variation 1023166 (VCV001023166.8), dbSNP rs2097648681, ClinGen allele CA383384562.
Genomic context (GRCh38, chr12:2,688,589, plus strand): 5'-CAGCCACACCTGGCAGCCGAGGCTGGCCCCCACAGCCCGTCCCCACCCTGCGGCTTGAGG[G>A]GGTCGAGTCCAGTGAGAAACTCAACAGCAGCTTCCCATCCATCCACTGCGGCTCCTGGGC-3'
Protein context (NP_000710.5, residues 1966-1986): PQPVPTLRLE[Gly1976Glu]VESSEKLNSS